The following is an entry in ClinVar:

ClinVar aggregate classification (germline): Likely pathogenic. Review status: criteria provided, multiple submitters, no conflicts (2 of 4 stars). 2 submissions from 2 submitters: Likely pathogenic (2). Last evaluated 2023-12-25.

Conditions:
3-methylcrotonyl-CoA carboxylase 2 deficiency. Also called: METHYLCROTONYLGLYCINURIA, TYPE II; 3 alpha methylcrotonyl-CoA carboxylase 2 deficiency; 3 alpha methylcrotonylglycinuria 2; MCC 2 deficiency; Methylcrotonylglycinuria type 2. Identifiers: Orphanet 6, MedGen C1859499, MONDO:0008862, OMIM 210210.

Submissions (2):

Baylor Genetics
Classification: Likely pathogenic for 3-methylcrotonyl-CoA carboxylase 2 deficiency. Last evaluated: 2023-12-25. Review status: criteria provided, single submitter. Criteria: ACMG Guidelines, 2015. Collection method: clinical testing. Allele origin: unknown.

Labcorp Genetics (formerly Invitae), Labcorp
Classification: Likely pathogenic for 3-methylcrotonyl-CoA carboxylase 2 deficiency. Last evaluated: 2021-08-04. Review status: criteria provided, single submitter. Criteria: Invitae Variant Classification Sherloc (09022015). Collection method: clinical testing. Allele origin: germline.
Comment: In summary, the currently available evidence indicates that the variant is pathogenic, but additional data are needed to prove that conclusively. Therefore, this variant has been classified as Likely Pathogenic. This sequence change affects a donor splice site in intron 9 of the MCCC2 gene. It is expected to disrupt RNA splicing. Variants that disrupt the donor or acceptor splice site typically lead to a loss of protein function (PMID: 16199547), and loss-of-function variants in MCCC2 are known to be pathogenic (PMID: 11181649, 22642865). This variant is not present in population databases (ExAC no frequency). This variant has not been reported in the literature in individuals affected with MCCC2-related conditions. Algorithms developed to predict the effect of sequence changes on RNA splicing suggest that this variant may disrupt the consensus splice site.

Literature cited by the submitters: PubMed 16199547 (cited by Labcorp Genetics (formerly Invitae), Labcorp); PubMed 11181649 (cited by Labcorp Genetics (formerly Invitae), Labcorp); PubMed 22642865 (cited by Labcorp Genetics (formerly Invitae), Labcorp).

NM_022132.5(MCCC2):c.903+1G>T

Gene: MCCC2 (methylcrotonyl-CoA carboxylase subunit 2; plus strand). Cytogenetic location: 5q13.2.
Variant type: single nucleotide variant.
Coding change: c.903+1G>T on transcript NM_022132.5 (MANE Select); the canonical splice donor site of the intron after coding-DNA position 903, G replaced by T.
Molecular consequence: splice donor variant.
Genome position (GRCh38, 1-based): chr5:71,635,043, G>T. VCF-style: chr5-71635043-G-T. GRCh37 (hg19) VCF-style: chr5-70930870-G-T.
Other names: c.789+1G>T (NM_001363147.1).
Identifiers: ClinVar variation 1493558 (VCV001493558.7), dbSNP rs2112437820, ClinGen allele CA359987242.